The following is an entry in ClinVar:

ClinVar aggregate classification (germline): Likely benign. Review status: criteria provided, multiple submitters, no conflicts (2 of 4 stars). 2 submissions from 2 submitters: Likely benign (2). Last evaluated 2024-12-24.

Conditions:
Developmental and epileptic encephalopathy, 11 (DEE11). Also called: Early infantile epileptic encephalopathy 11. Identifiers: Orphanet 1934, MedGen C3150987, MONDO:0013388, OMIM 613721.
Seizures, benign familial infantile, 3 (BFIS3). Also called: CONVULSIONS, BENIGN FAMILIAL INFANTILE, 3; Familial neonatal seizures. Identifiers: Orphanet 140927, Orphanet 306, MedGen C1843140, MONDO:0011904, OMIM 607745.

Allele frequency attached by ClinVar (database versions not stated): gnomAD 0.00001; gnomAD exomes 0.00002; TOPMed 0.00002.
gnomAD v4.1: 33 of 1,613,258 alleles (0.002%); highest among the groups gnomAD compares: Non-Finnish European, 0.0027%; no homozygotes.

Submissions (2):

Labcorp Genetics (formerly Invitae), Labcorp
Classification: Likely benign for Seizures, benign familial infantile, 3; Developmental and epileptic encephalopathy, 11. Last evaluated: 2024-12-24. Review status: criteria provided, single submitter. Criteria: Invitae Variant Classification Sherloc (09022015). Collection method: clinical testing. Allele origin: germline.

GeneDx
Classification: Likely benign. Last evaluated: 2017-11-30. Review status: criteria provided, single submitter. Criteria: GeneDx Variant Classification (06012015). Collection method: clinical testing. Allele origin: germline. Affected: yes.
Comment: This variant is considered likely benign or benign based on one or more of the following criteria: it is a conservative change, it occurs at a poorly conserved position in the protein, it is predicted to be benign by multiple in silico algorithms, and/or has population frequency not consistent with disease.

NM_001040142.2(SCN2A):c.4045C>T (p.Leu1349=)

Gene: SCN2A (sodium voltage-gated channel alpha subunit 2; plus strand). Cytogenetic location: 2q24.3.
Variant type: single nucleotide variant.
Coding change: c.4045C>T on transcript NM_001040142.2 (MANE Select); coding-DNA position 4045, C replaced by T.
Protein change: p.Leu1349=; no amino-acid change (leucine 1349 retained).
Molecular consequence: synonymous variant.
Genome position (GRCh38, 1-based): chr2:165,374,757, C>T. VCF-style: chr2-165374757-C-T. GRCh37 (hg19) VCF-style: chr2-166231267-C-T.
Other names: c.4045C>T, p.Leu1349= (NM_001040143.2, NM_001371246.1, NM_001371247.1 and 1 more transcripts).
Identifiers: ClinVar variation 513763 (VCV000513763.10), dbSNP rs946393942, ClinGen allele CA59741886.